The following is an entry in ClinVar:

NM_130837.3(OPA1):c.1476A>C (p.Gln492His)

Gene: OPA1 (OPA1 mitochondrial dynamin like GTPase; plus strand). Cytogenetic location: 3q29.
Variant type: single nucleotide variant.
Coding change: c.1476A>C on transcript NM_130837.3 (MANE Select); coding-DNA position 1476, A replaced by C.
Protein change: p.Gln492His; replaces glutamine 492 with histidine.
Molecular consequence: missense variant.
Genome position (GRCh38, 1-based): chr3:193,643,626, A>C. VCF-style: chr3-193643626-A-C. GRCh37 (hg19) VCF-style: chr3-193361415-A-C.
Other names: c.942A>C, p.Gln314His (NM_001354663.2); c.939A>C, p.Gln313His (NM_001354664.2); c.1311A>C, p.Gln437His (NM_015560.3); c.1203A>C, p.Gln401His (NM_130831.3); c.1257A>C, p.Gln419His (NM_130832.3); c.1314A>C, p.Gln438His (NM_130833.3); c.1365A>C, p.Gln455His (NM_130834.3); c.1368A>C, p.Gln456His (NM_130835.3); and 1 more; short protein forms Q313H, Q314H, Q401H, Q419H, Q437H, Q438H, Q455H, Q456H.
Identifiers: ClinVar variation 3242088 (VCV003242088.1), dbSNP rs2474874781.
Genomic context (GRCh38, chr3:193,643,626, plus strand): 5'-TATTTTCAGTATCAGCAAAGCTTACATGCAGAATCCTAATGCCATCATACTGTGTATTCA[A>C]GGTAAATCATATCAAAAGATTTTAATGTACTGATATGTTTTCTTCTTTAGCAATCCAAGC-3'
Protein context (NP_570850.2, residues 482-502): QNPNAIILCI[Gln492His]DGSVDAERSI

ClinVar aggregate classification (germline): Uncertain significance (1 of 4 stars; one submission).

Conditions:
Abortive cerebellar ataxia (BEHRS). Also called: OPTIC ATROPHY, INFANTILE HEREDITARY, WITH NEUROLOGIC ABNORMALITIES; Behr syndrome. Identifiers: Orphanet 1239, MedGen C0221061, MONDO:0008858, OMIM 210000.

Submission:

Neuberg Centre For Genomic Medicine, NCGM
Classification: Uncertain significance for Abortive cerebellar ataxia. Review status: criteria provided, single submitter. Criteria: ACMG Guidelines, 2015. Collection method: clinical testing. Allele origin: germline. Inheritance: Autosomal recessive inheritance. Affected: yes.
Comment: The missense variant c.1476A>C (p.Gln492His) in the OPA1 gene has not been reported previously as a pathogenic variant nor as a benign variant, to our knowledge. Different amino acid change c.1313A>G, p.D438G is reported as a known likely pathogenic variant at the same position (Mei et al., 2019). This variant is absent in the gnomAD Exomes. The amino acid Glutamine at position 492 is changed to a Histidine changing protein sequence and it might alter its composition and physico-chemical properties. The variant is predicted as damaging by SIFT. The amino acid change p.Gln492His in OPA1 is predicted as conserved by GERP++ and PhyloP across 100 vertebrates. For these reasons, this variant has been classified as variant of uncertain significance.